The following is an entry in ClinVar:

ClinVar aggregate classification (germline): Likely benign. Review status: criteria provided, multiple submitters, no conflicts (2 of 4 stars). 2 submissions from 2 submitters: Likely benign (2). Last evaluated 2023-02-11.

Conditions:
Long QT syndrome (LQTS). Identifiers: MedGen C0023976, MeSH D008133, MONDO:0002442. Disease mechanism: loss of function. Inheritance: Various modes of inheritance.

Submissions (2):

Labcorp Genetics (formerly Invitae), Labcorp
Classification: Likely benign for Long QT syndrome. Last evaluated: 2023-02-11. Review status: criteria provided, single submitter. Criteria: Invitae Variant Classification Sherloc (09022015). Collection method: clinical testing. Allele origin: germline.

GeneDx
Classification: Likely benign. Last evaluated: 2016-05-03. Review status: criteria provided, single submitter. Criteria: GeneDx Variant Classification (06012015). Collection method: clinical testing. Allele origin: germline. Affected: yes.
Comment: This variant is considered likely benign or benign based on one or more of the following criteria: it is a conservative change, it occurs at a poorly conserved position in the protein, it is predicted to be benign by multiple in silico algorithms, and/or has population frequency not consistent with disease.

NM_000719.7(CACNA1C):c.4527-7C>T

Gene: CACNA1C (calcium voltage-gated channel subunit alpha1 C; plus strand). Cytogenetic location: 12p13.33.
Variant type: single nucleotide variant.
Coding change: c.4527-7C>T on transcript NM_000719.7 (MANE Select); 7 bases into the intron before coding-DNA position 4527, C replaced by T.
Molecular consequence: intron variant.
Genome position (GRCh38, 1-based): chr12:2,666,679, C>T. VCF-style: chr12-2666679-C-T. GRCh37 (hg19) VCF-style: chr12-2775845-C-T.
Other names: c.4527-7C>T (NM_001167624.3, NM_001167623.2, NM_001129840.2 and 7 more transcripts); c.4494-7C>T (NM_001167625.2, NM_001129837.2, NM_001129838.2 and 1 more transcripts); c.4671-7C>T (NM_199460.4, NM_001129827.2); c.4587-7C>T (NM_001129832.2); c.4611-7C>T (NM_001129831.2); c.4593-7C>T (NM_001129829.2); c.4488-7C>T (NM_001129839.2); c.4578-7C>T (NM_001129836.2); and 1 more.
Identifiers: ClinVar variation 385824 (VCV000385824.9), dbSNP rs1057522340, ClinGen allele CA16606511.
Genomic context (GRCh38, chr12:2,666,679, plus strand): 5'-CGTCCTGGGCTGCTGGCAGAGACCGTGGCTCTCTGATGCCCTGTCCCTCCTCTCCCTCCT[C>T]TTCTAGGGGTCGTATCAAACACCTGGATGTGGTGACCCTCCTCCGGCGGATTCAGCCGCC-3'